The following is an entry in ClinVar:

NM_015335.5(MED13L):c.5548T>G (p.Leu1850Val)

Gene: MED13L (mediator complex subunit 13L; minus strand). Cytogenetic location: 12q24.21.
Variant type: single nucleotide variant.
Coding change: c.5548T>G on transcript NM_015335.5 (MANE Select); coding-DNA position 5548, T replaced by G.
Protein change: p.Leu1850Val; replaces leucine 1850 with valine.
Molecular consequence: missense variant.
Genome position (GRCh38, 1-based): chr12:115,975,555, A>C on the plus strand (T>G on the coding strand, the complement: MED13L is on the minus strand). VCF-style: chr12-115975555-A-C. GRCh37 (hg19) VCF-style: chr12-116413360-A-C.
Other names: p.Leu1850Val; short protein forms L1850V.
Identifiers: ClinVar variation 4879979 (VCV004879979.1).
Genomic context (GRCh38, chr12:115,975,555, plus strand): 5'-TAAACATCAAGTCTTCTCACCTGTTTGGTAAAGCAATATTTACAACGCAGGTCTCTAATA[A>C]TTCCCCATGGAGGTCAGTGCAGGAAGCCAAAAGCCAGCGCTGGTCGTGAGACAGACAATA-3'
Protein context (NP_056150.1, residues 1840-1860): LASCTDLHGE[Leu1850Val]LETCVVNIAL

ClinVar aggregate classification (germline): Uncertain significance (1 of 4 stars; one submission).

Conditions:
Cardiac anomalies - developmental delay - facial dysmorphism syndrome (MRFACD). Also called: MED13L Syndrome; Impaired intellectual development and distinctive facial features with or without cardiac defects. Identifiers: Orphanet 369891, MedGen C5192431, MONDO:0014773, OMIM 616789.

Submission:

Foundation for Research in Genetics and Endocrinology, FRIGE's Institute of Human Genetics
Classification: Uncertain significance for Cardiac anomalies - developmental delay - facial dysmorphism syndrome. Last evaluated: 2026-04-30. Review status: criteria provided, single submitter. Criteria: ACMG Guidelines, 2015. Collection method: clinical testing. Allele origin: germline. Inheritance: Autosomal dominant inheritance. Affected: yes. Observed: 1 variant allele, 1 heterozygote.
Comment: A heterozygous variant c.5548T>G (p.Leu1850Val) in exon 24 of the MED13L gene was detected. This variant results in the substitution of leucine by valine at codon 1850. This variant has not been reported in the 1000 genomes and gnomAD databases. The in-silico prediction of the variant is damaging by FATHMM, LRT, Mutation Taster and SIFT. In summary, the variant meets our criteria to be classified as variant of uncertain significance.